The following is an entry in ClinVar:

NM_014168.4(METTL5):c.520dup (p.Ile174fs)

Gene: METTL5 (methyltransferase 5, N6-adenosine; minus strand). Cytogenetic location: 2q31.1.
Variant type: Duplication.
Coding change: c.520dup on transcript NM_014168.4 (MANE Select); coding-DNA position 520, one base duplicated (A; older notation c.520dupA).
Protein change: p.Ile174fs; shifts the reading frame from isoleucine 174.
Molecular consequence: frameshift variant.
Genome position (GRCh38, 1-based): chr2:169,815,498, T duplicated on the plus strand (A on the coding strand, the reverse complement: METTL5 is on the minus strand); the first of 4 consecutive T bases (chr2:169,815,498-169,815,501); duplicating any one gives the same sequence. VCF-style (leftmost placement, unchanged base first): chr2-169815497-A-AT. GRCh37 (hg19) VCF-style: chr2-170672007-A-AT.
Other names: c.520dup, p.Ile174fs (NM_001293186.2, NM_001293187.2); short protein forms I174fs.
Identifiers: ClinVar variation 4852176 (VCV004852176.1).
Genomic context (GRCh38, chr2:169,815,497, plus strand): 5'-TGTTGGCCCTTTTGGATATTAGGATTGAGATTTGTCTTACCTGCTATAATATCTATCTTG[A>AT]TTTTCCATTCTGCAGCTTTCTTTTGAACATGCTGAACATAAATAATATGTTGTTATGAGC-3'

ClinVar aggregate classification (germline): Likely pathogenic (1 of 4 stars; one submission).

Conditions:
Intellectual developmental disorder, autosomal recessive 72. Also called: MENTAL RETARDATION, AUTOSOMAL RECESSIVE 72. Identifiers: MedGen C5231452, MONDO:0032860, OMIM 618665.

Submission:

Variantyx, Inc.
Classification: Likely pathogenic for Intellectual developmental disorder, autosomal recessive 72. Last evaluated: 2025-07-22. Review status: criteria provided, single submitter. Criteria: Variantyx Assertion Criteria 2022. Collection method: clinical testing. Allele origin: germline. Inheritance: Autosomal recessive inheritance. Affected: yes.
Comment: This is a frameshift variant in the METTL5 gene (OMIM: 618628). Pathogenic variants in this gene have been associated with autosomal recessive Intellectual developmental disorder, 72. This variant introduces a premature termination codon in exon 5 out of 7 and is expected to result in loss of function, which is a known disease mechanism for METTL5 in this disorder (PMID:28940097) (PVS1). It has a 0.0241% maximum allele frequency in non-founder control populations (PM2). Based on the current evidence, this variant is classified as likely pathogenic for autosomal recessive Intellectual developmental disorder, 72.

Literature cited by the submitters: PubMed 28940097.